The following is an entry in ClinVar:

NM_021927.3(GUF1):c.734C>T (p.Pro245Leu)

Gene: GUF1 (GTP binding elongation factor GUF1; plus strand). Cytogenetic location: 4p12.
Variant type: single nucleotide variant.
Coding change: c.734C>T on transcript NM_021927.3 (MANE Select); coding-DNA position 734, C replaced by T.
Protein change: p.Pro245Leu; replaces proline 245 with leucine.
Molecular consequence: missense variant. On other transcripts: 5 prime UTR variant (2).
Genome position (GRCh38, 1-based): chr4:44,686,023, C>T. VCF-style: chr4-44686023-C-T. GRCh37 (hg19) VCF-style: chr4-44688040-C-T.
Other names: c.-239C>T (NM_001345867.2, NM_001345869.2); c.734C>T, p.Pro245Leu (NM_001345868.2); short protein forms P245L.
Identifiers: ClinVar variation 1928625 (VCV001928625.5), dbSNP rs116799930, ClinGen allele CA2905412.

ClinVar aggregate classification (germline): Uncertain significance (1 of 4 stars; one submission).

Allele frequency attached by ClinVar (database versions not stated): ExAC 0.00001; TOPMed 0.00002; gnomAD 0.00003; 1000 Genomes Project 30x 0.00016; 1000 Genomes Project 0.00020.
gnomAD v4.1: 22 of 1,596,478 alleles (0.0014%); highest among the groups gnomAD compares: East Asian, 0.025%; no homozygotes.

Submission:

Labcorp Genetics (formerly Invitae), Labcorp
Classification: Uncertain significance. Last evaluated: 2024-05-15. Review status: criteria provided, single submitter. Criteria: Invitae Variant Classification Sherloc (09022015). Collection method: clinical testing. Allele origin: germline.
Comment: This sequence change replaces proline, which is neutral and non-polar, with leucine, which is neutral and non-polar, at codon 245 of the GUF1 protein (p.Pro245Leu). This variant is present in population databases (rs116799930, gnomAD 0.004%). This variant has not been reported in the literature in individuals affected with GUF1-related conditions. ClinVar contains an entry for this variant (Variation ID: 1928625). An algorithm developed to predict the effect of missense changes on protein structure and function (PolyPhen-2) suggests that this variant is likely to be tolerated. In summary, the available evidence is currently insufficient to determine the role of this variant in disease. Therefore, it has been classified as a Variant of Uncertain Significance.